The following is an entry in ClinVar:

ClinVar aggregate classification (germline): Uncertain significance (1 of 4 stars; one submission).

Conditions:
Deficiency of ferroxidase (ACEP). Also called: Aceruloplasminemia; Ceruloplasmin deficiency; Familial apoceruloplasmin deficiency; Hereditary ceruloplasmin deficiency; NEURODEGENERATION WITH BRAIN IRON ACCUMULATION 10; Deficiency of ceruloplasmin. Identifiers: Orphanet 48818, MedGen C0878682, MONDO:0011426, OMIM 604290, HP:0025498.

Submission:

Labcorp Genetics (formerly Invitae), Labcorp
Classification: Uncertain significance for Deficiency of ferroxidase. Last evaluated: 2021-05-22. Review status: criteria provided, single submitter. Criteria: Invitae Variant Classification Sherloc (09022015). Collection method: clinical testing. Allele origin: germline.
Comment: In summary, the available evidence is currently insufficient to determine the role of this variant in disease. Therefore, it has been classified as a Variant of Uncertain Significance. Experimental studies and prediction algorithms are not available or were not evaluated, and the functional significance of this variant is currently unknown. This variant has not been reported in the literature in individuals with CP-related conditions. This variant is not present in population databases (ExAC no frequency). This variant, c.290_292del, results in the deletion of 1 amino acid(s) of the CP protein (p.Ile97del), but otherwise preserves the integrity of the reading frame.

NM_000096.4(CP):c.290_292del (p.Ile97del)

Gene: CP (ceruloplasmin; minus strand). Cytogenetic location: 3q25.1.
Variant type: Deletion.
Coding change: c.290_292del on transcript NM_000096.4 (MANE Select); coding-DNA positions 290 to 292, 3 bases deleted (TCA; older notation c.290_292delTCA).
Protein change: p.Ile97del; deletes isoleucine 97.
Molecular consequence: inframe deletion. On other transcripts: non-coding transcript variant (1).
Genome position (GRCh38, 1-based): chr3:149,212,553-149,212,555, TGA deleted on the plus strand (TCA on the coding strand, the reverse complement: CP is on the minus strand); deleting any 3 consecutive bases within chr3:149,212,553-149,212,556 gives the same sequence; the c. name uses the placement nearest the transcript's 3' end. VCF-style (leftmost placement, unchanged base first): chr3-149212552-TTGA-T. GRCh37 (hg19) VCF-style: chr3-148930339-TTGA-T.
Other names: short protein forms I97del.
Identifiers: ClinVar variation 1521788 (VCV001521788.8), dbSNP rs2108302022, ClinGen allele CA2573136591.